The following is an entry in ClinVar:

NM_000186.4(CFH):c.230del (p.Pro76_Leu77insTer)

Gene: CFH (complement factor H; plus strand). Cytogenetic location: 1q31.3.
Variant type: Deletion.
Coding change: c.230del on transcript NM_000186.4 (MANE Select); coding-DNA position 230, one base deleted (T; older notation c.230delT).
Protein change: p.Pro76_Leu77insTer.
Molecular consequence: nonsense.
Genome position (GRCh38, 1-based): chr1:196,673,149, T deleted; the last of 2 consecutive T bases (chr1:196,673,148-196,673,149); deleting either gives the same sequence. VCF-style (leftmost placement, unchanged base first): chr1-196673147-AT-A. GRCh37 (hg19) VCF-style: chr1-196642277-AT-A.
Other names: c.230del, p.Pro76_Leu77insTer (NM_001014975.3).
Identifiers: ClinVar variation 4291500 (VCV004291500.2).
Genomic context (GRCh38, chr1:196,673,147, plus strand): 5'-TAGATCTCTTGGAAATGTAATAATGGTATGCAGGAAGGGAGAATGGGTTGCTCTTAATCC[AT>A]TAAGGAAATGTCAGAGTAAGTACTTAATACATTTGTGAAATTTATGAAAACTAGGTGTAA-3'

ClinVar aggregate classification (germline): Pathogenic (1 of 4 stars; one submission).

Conditions:
Factor H deficiency (CFHD). Also called: COMPLEMENT FACTOR H DEFICIENCY; CFH DEFICIENCY. Identifiers: Orphanet 200421, MedGen C0398777, MONDO:0012350, OMIM 609814.

Submission:

Genomenon, Inc
Classification: Pathogenic for Factor H deficiency. Last evaluated: 2026-09-17. Review status: criteria provided, single submitter. Criteria: Genomenon Sequence Variant Interpretation Standards - Updated. Collection method: curation. Allele origin: germline. Affected: yes.
Comment: CFH p.Leu77Ter (c.230del) is a nonsense variant that introduces a premature stop codon at amino acid position 77 and is predicted to result in a truncated or absent protein product. This variant has been observed in at least one proband affected with complement factor H deficiency (PMID: 22456601). It is absent or not present at a significant frequency in gnomAD. In conclusion, we classify CFH p.Leu77Ter (c.230del) as a pathogenic variant.

Literature cited by the submitters: PubMed 22456601.